The following is an entry in ClinVar:

ClinVar aggregate classification (germline): Uncertain significance (1 of 4 stars; one submission).

Submission:

Labcorp Genetics (formerly Invitae), Labcorp
Classification: Uncertain significance. Last evaluated: 2025-10-07. Review status: criteria provided, single submitter. Criteria: Invitae Variant Classification Sherloc (09022015). Collection method: clinical testing. Allele origin: germline.
Comment: This sequence change replaces leucine, which is neutral and non-polar, with valine, which is neutral and non-polar, at codon 1047 of the DCHS1 protein (p.Leu1047Val). This variant is not present in population databases (gnomAD no frequency). This variant has not been reported in the literature in individuals affected with DCHS1-related conditions. Invitae Evidence Modeling of protein sequence and biophysical properties (such as structural, functional, and spatial information, amino acid conservation, physicochemical variation, residue mobility, and thermodynamic stability) indicates that this missense variant is not expected to disrupt DCHS1 protein function with a negative predictive value of 80%. In summary, the available evidence is currently insufficient to determine the role of this variant in disease. Therefore, it has been classified as a Variant of Uncertain Significance.

NM_003737.4(DCHS1):c.3139C>G (p.Leu1047Val)

Gene: DCHS1 (dachsous cadherin-related 1; minus strand). Cytogenetic location: 11p15.4.
Variant type: single nucleotide variant.
Coding change: c.3139C>G on transcript NM_003737.4 (MANE Select); coding-DNA position 3139, C replaced by G.
Protein change: p.Leu1047Val; replaces leucine 1047 with valine.
Molecular consequence: missense variant.
Genome position (GRCh38, 1-based): chr11:6,632,373, G>C on the plus strand (C>G on the coding strand, the complement: DCHS1 is on the minus strand). VCF-style: chr11-6632373-G-C. GRCh37 (hg19) VCF-style: chr11-6653604-G-C.
Other names: short protein forms L1047V.
Identifiers: ClinVar variation 4745337 (VCV004745337.1).
Genomic context (GRCh38, chr11:6,632,373, plus strand): 5'-ATTCCTGGGCCTCACGGTCTAGTGCTGCCCGCACCCATAGCCACCCACTCTGTGGCTCCA[G>C]GCCAAAGGGGCTACTTGCTCCCTCTGCTGCAAGGTGATAGGTGATAGGGCCCCCATCTGG-3'
Protein context (NP_003728.1, residues 1037-1057): AAEGASSPFG[Leu1047Val]EPQSGWLWVR